The following is an entry in ClinVar:

ClinVar aggregate classification (germline): Uncertain significance (1 of 4 stars; one submission).

Submission:

GeneDx
Classification: Uncertain significance. Last evaluated: 2021-04-06. Review status: criteria provided, single submitter. Criteria: GeneDx Variant Classification Process June 2021. Collection method: clinical testing. Allele origin: germline. Affected: yes.
Comment: Not observed in large population cohorts (Lek et al., 2016); In silico analysis, which includes protein predictors and evolutionary conservation, supports a deleterious effect; Has not been previously published as pathogenic or benign to our knowledge

NM_016194.4(GNB5):c.1127C>T (p.Ser376Phe)

Gene: GNB5 (G protein subunit beta 5; minus strand). Cytogenetic location: 15q21.2.
Variant type: single nucleotide variant.
Coding change: c.1127C>T on transcript NM_016194.4 (MANE Select); coding-DNA position 1127, C replaced by T.
Protein change: p.Ser376Phe; replaces serine 376 with phenylalanine.
Molecular consequence: missense variant.
Genome position (GRCh38, 1-based): chr15:52,124,522, G>A on the plus strand (C>T on the coding strand, the complement: GNB5 is on the minus strand). VCF-style: chr15-52124522-G-A. GRCh37 (hg19) VCF-style: chr15-52416719-G-A.
Other names: c.845C>T, p.Ser282Phe (NM_001379343.1); c.1001C>T, p.Ser334Phe (NM_006578.4); short protein forms S282F, S334F, S376F.
Identifiers: ClinVar variation 1310997 (VCV001310997.2), dbSNP rs2141181411, ClinGen allele CA392487419.